The following is an entry in ClinVar:

NM_006306.4(SMC1A):c.125T>C (p.Met42Thr)

Gene: SMC1A (structural maintenance of chromosomes 1A; minus strand). Cytogenetic location: Xp11.22.
Variant type: single nucleotide variant.
Coding change: c.125T>C on transcript NM_006306.4 (MANE Select); coding-DNA position 125, T replaced by C.
Protein change: p.Met42Thr; replaces methionine 42 with threonine.
Molecular consequence: missense variant.
Genome position (GRCh38, 1-based): chrX:53,415,154, A>G on the plus strand (T>C on the coding strand, the complement: SMC1A is on the minus strand). VCF-style: chrX-53415154-A-G. GRCh37 (hg19) VCF-style: chrX-53442103-A-G.
Other names: c.59T>C, p.Met20Thr (NM_001281463.1); short protein forms M20T, M42T.
Identifiers: ClinVar variation 3711160 (VCV003711160.2).

ClinVar aggregate classification (germline): Uncertain significance (1 of 4 stars; one submission).

Conditions:
Congenital muscular hypertrophy-cerebral syndrome (CDLS2). Also called: Cornelia de Lange syndrome 2; SMC1A-Related Cornelia de Lange Syndrome. Identifiers: Orphanet 199, MedGen C1802395, MONDO:0010370, OMIM 300590.

Submission:

Labcorp Genetics (formerly Invitae), Labcorp
Classification: Uncertain significance for Congenital muscular hypertrophy-cerebral syndrome. Last evaluated: 2024-09-17. Review status: criteria provided, single submitter. Criteria: Invitae Variant Classification Sherloc (09022015). Collection method: clinical testing. Allele origin: germline.
Comment: This sequence change replaces methionine, which is neutral and non-polar, with threonine, which is neutral and polar, at codon 42 of the SMC1A protein (p.Met42Thr). This variant is not present in population databases (gnomAD no frequency). This variant has not been reported in the literature in individuals affected with SMC1A-related conditions. Invitae Evidence Modeling of protein sequence and biophysical properties (such as structural, functional, and spatial information, amino acid conservation, physicochemical variation, residue mobility, and thermodynamic stability) has been performed for this missense variant. However, the output from this modeling did not meet the statistical confidence thresholds required to predict the impact of this variant on SMC1A protein function. In summary, the available evidence is currently insufficient to determine the role of this variant in disease. Therefore, it has been classified as a Variant of Uncertain Significance.